The following is an entry in ClinVar:

NM_004380.3(CREBBP):c.2441C>G (p.Pro814Arg)

Gene: CREBBP (CREB binding lysine acetyltransferase; minus strand). Cytogenetic location: 16p13.3.
Variant type: single nucleotide variant.
Coding change: c.2441C>G on transcript NM_004380.3 (MANE Select); coding-DNA position 2441, C replaced by G.
Protein change: p.Pro814Arg; replaces proline 814 with arginine.
Molecular consequence: missense variant.
Genome position (GRCh38, 1-based): chr16:3,773,773, G>C on the plus strand (C>G on the coding strand, the complement: CREBBP is on the minus strand). VCF-style: chr16-3773773-G-C. GRCh37 (hg19) VCF-style: chr16-3823774-G-C.
Other names: c.2441C>G (NM_004380.2); c.2327C>G, p.Pro776Arg (NM_001079846.1); short protein forms P776R, P814R.
Identifiers: ClinVar variation 1895817 (VCV001895817.8), dbSNP rs1322839266, ClinGen allele CA394552774.

ClinVar aggregate classification (germline): Benign. Review status: criteria provided, single submitter (1 of 4 stars). 2 submissions from 2 submitters: Benign (1). 1 of the submissions does not count toward it. Last evaluated 2025-05-11.

Conditions:
CREBBP-related disorder. Also called: CREBBP-related disorders; CREBBP-related condition.
Rubinstein-Taybi syndrome (RSTS). Identifiers: Orphanet 783, MedGen C0035934, MONDO:0019188.

Allele frequency attached by ClinVar (database versions not stated): gnomAD 0.00001; gnomAD exomes 0.00001; TOPMed 0.00001.
gnomAD v4.1: 4 of 1,613,792 alleles (0.00025%); highest among the groups gnomAD compares: Admixed American, 0.0067%; no homozygotes.

Submissions (2):

Labcorp Genetics (formerly Invitae), Labcorp
Classification: Benign for Rubinstein-Taybi syndrome. Last evaluated: 2025-05-11. Review status: criteria provided, single submitter. Criteria: Invitae Variant Classification Sherloc (09022015). Collection method: clinical testing. Allele origin: germline.

PreventionGenetics, part of Exact Sciences
Classification: Uncertain significance for CREBBP-related condition. Last evaluated: 2024-01-09. Review status: no assertion criteria provided. Collection method: clinical testing. Allele origin: germline. Not counted in ClinVar's aggregate classification.
Comment: The CREBBP c.2441C>G variant is predicted to result in the amino acid substitution p.Pro814Arg. To our knowledge, this variant has not been reported in the literature. This variant is reported in 0.0087% of alleles in individuals of Latino descent in gnomAD. At this time, the clinical significance of this variant is uncertain due to the absence of conclusive functional and genetic evidence.